The following is an entry in ClinVar:

NM_033380.3(COL4A5):c.2689G>A (p.Glu897Lys)

Gene: COL4A5 (collagen type IV alpha 5 chain; plus strand). Cytogenetic location: Xq22.3.
Variant type: single nucleotide variant.
Coding change: c.2689G>A on transcript NM_033380.3 (MANE Select); coding-DNA position 2689, G replaced by A.
Protein change: p.Glu897Lys; replaces glutamic acid 897 with lysine.
Molecular consequence: missense variant.
Genome position (GRCh38, 1-based): chrX:108,621,814, G>A. VCF-style: chrX-108621814-G-A. GRCh37 (hg19) VCF-style: chrX-107865044-G-A.
Other names: c.2689G>A, p.Glu897Lys (NM_000495.5); short protein forms E897K.
Identifiers: ClinVar variation 4852347 (VCV004852347.2).
Genomic context (GRCh38, chrX:108,621,814, plus strand): 5'-TTCCCTAAGTCAAAGAAAGGCAAACATTACTTATTGATATTCTTCAAAGGTACCAAAGGT[G>A]AAATGGGTATGATGGGACCTCCAGGCCCACCAGGACCTTTGGGAATTCCTGGCAGGAGTG-3'
Protein context (NP_203699.1, residues 887-907): GASGFPGTKG[Glu897Lys]MGMMGPPGPP

ClinVar aggregate classification (germline): Conflicting classifications of pathogenicity. Review status: criteria provided, conflicting classifications (1 of 4 stars). 2 submissions from 2 submitters: Likely pathogenic (1); Uncertain significance (1). Last evaluated 2026-04-20.

Conditions:
X-linked Alport syndrome (ATS1). Also called: NEPHROPATHY AND DEAFNESS, X-LINKED; COL4A5-Related Nephropathy. Identifiers: Orphanet 63, Orphanet 88917, MedGen C4746986, MONDO:0010520, OMIM 301050.

Submissions (2):

MVZ Medizinische Genetik Mainz
Classification: Uncertain significance for X-linked Alport syndrome. Last evaluated: 2026-04-20. Review status: criteria provided, single submitter. Criteria: UK Practice Guidelines For Variant Classification V4 01 2020. Collection method: clinical testing. Allele origin: germline. Inheritance: X-linked dominant inheritance. Affected: yes. Observed: 1 variant allele.
Comment: ACMG Criteria: PM2_SUP,PP3

Bioscientia Institut fuer Medizinische Diagnostik GmbH, Sonic Healthcare
Classification: Likely pathogenic for X-linked Alport syndrome. Last evaluated: 2025-04-25. Review status: criteria provided, single submitter. Criteria: ACMG Guidelines, 2015. Collection method: clinical testing. Allele origin: germline. Affected: yes.